The following is an entry in ClinVar:

NM_004369.3(COL6A3):c.-3876C>T

Gene: COL6A3 (collagen type VI alpha 3 chain; minus strand). Cytogenetic location: 2q37.3.
Variant type: single nucleotide variant.
Coding change: c.-3876C>T on transcript NM_004369.3; 3876 bases upstream of the start codon, C replaced by T.
Genome position (GRCh38, 1-based): chr2:237,417,798, G>A on the plus strand (C>T on the coding strand, the complement: COL6A3 is on the minus strand). VCF-style: chr2-237417798-G-A. GRCh37 (hg19) VCF-style: chr2-238326441-G-A.
Identifiers: ClinVar variation 4851355 (VCV004851355.1).

ClinVar aggregate classification (germline): Uncertain significance (1 of 4 stars; one submission).

Conditions:
Bethlem myopathy 1C (BTHLM1C). Identifiers: MedGen C5935581, MONDO:0958234, OMIM 620726.

Submission:

Laboratory Cellgenetics, GMDL Cellgenetics
Classification: Uncertain significance for Bethlem myopathy 1C. Review status: criteria provided, single submitter. Criteria: ACMG Guidelines, 2015. Collection method: clinical testing. Allele origin: paternal. Inheritance: Autosomal recessive inheritance. Affected: yes.
Comment: PM2